The following is an entry in ClinVar:

ClinVar aggregate classification (germline): Uncertain significance (1 of 4 stars; one submission).

Submission:

Labcorp Genetics (formerly Invitae), Labcorp
Classification: Uncertain significance. Last evaluated: 2022-08-23. Review status: criteria provided, single submitter. Criteria: Invitae Variant Classification Sherloc (09022015). Collection method: clinical testing. Allele origin: germline.
Comment: In summary, the available evidence is currently insufficient to determine the role of this variant in disease. Therefore, it has been classified as a Variant of Uncertain Significance. This sequence change replaces serine, which is neutral and polar, with isoleucine, which is neutral and non-polar, at codon 1650 of the POLE protein (p.Ser1650Ile). This variant is not present in population databases (gnomAD no frequency). This variant has not been reported in the literature in individuals affected with POLE-related conditions. ClinVar contains an entry for this variant (Variation ID: 972515). Algorithms developed to predict the effect of missense changes on protein structure and function are either unavailable or do not agree on the potential impact of this missense change (SIFT: "Deleterious"; PolyPhen-2: "Benign"; Align-GVGD: "Class C0").

NM_006231.4(POLE):c.4949G>T (p.Ser1650Ile)

Gene: POLE (DNA polymerase epsilon, catalytic subunit; minus strand). Cytogenetic location: 12q24.33.
Variant type: single nucleotide variant.
Coding change: c.4949G>T on transcript NM_006231.4 (MANE Select); coding-DNA position 4949, G replaced by T.
Protein change: p.Ser1650Ile; replaces serine 1650 with isoleucine.
Molecular consequence: missense variant.
Genome position (GRCh38, 1-based): chr12:132,642,509, C>A on the plus strand (G>T on the coding strand, the complement: POLE is on the minus strand). VCF-style: chr12-132642509-C-A. GRCh37 (hg19) VCF-style: chr12-133219095-C-A.
Other names: short protein forms S1650I.
Identifiers: ClinVar variation 972515 (VCV000972515.10), dbSNP rs1593730568, ClinGen allele CA387377811.
Genomic context (GRCh38, chr12:132,642,509, plus strand): 5'-CACCGAGGCCGGCTCTGCCTGGGGACCACTGGCCCACAACGACAGTACTGTGCTCACCTG[C>A]TCATCTCGAAGGCCTGCGACAGGCAGGTGTCCAGGTTGAGGTAGTGACGGATCATGCGCC-3'
Protein context (NP_006222.2, residues 1640-1660): DTCLSQAFEM[Ser1650Ile]RYFHIPIGNL